The following is an entry in ClinVar:

ClinVar aggregate classification (germline): Uncertain significance. Review status: criteria provided, multiple submitters, no conflicts (2 of 4 stars). 2 submissions from 2 submitters: Uncertain significance (2). Last evaluated 2024-01-04.

Conditions:
Hereditary nonpolyposis colorectal neoplasms. Identifiers: MedGen C0009405, MeSH D003123.
Hereditary cancer-predisposing syndrome. Also called: Tumor predisposition; Hereditary Cancer Syndrome; Hereditary neoplastic syndrome; Neoplastic Syndromes, Hereditary. Identifiers: Orphanet 140162, MedGen C0027672, MeSH D009386, MONDO:0015356.

Submissions (2):

Ambry Genetics
Classification: Uncertain significance for Hereditary cancer-predisposing syndrome. Last evaluated: 2024-01-04. Review status: criteria provided, single submitter. Criteria: Ambry Variant Classification Scheme 2023. Collection method: clinical testing. Allele origin: germline.
Comment: The p.N324T variant (also known as c.971A>C), located in coding exon 9 of the PMS2 gene, results from an A to C substitution at nucleotide position 971. The asparagine at codon 324 is replaced by threonine, an amino acid with similar properties. This amino acid position is highly conserved in available vertebrate species. In addition, the in silico prediction for this alteration is inconclusive. Since supporting evidence is limited at this time, the clinical significance of this alteration remains unclear.

Labcorp Genetics (formerly Invitae), Labcorp
Classification: Uncertain significance for Hereditary nonpolyposis colorectal neoplasms. Last evaluated: 2017-10-13. Review status: criteria provided, single submitter. Criteria: Invitae Variant Classification Sherloc (09022015). Collection method: clinical testing. Allele origin: germline.
Comment: This sequence change replaces asparagine with threonine at codon 324 of the PMS2 protein (p.Asn324Thr). The asparagine residue is moderately conserved and there is a small physicochemical difference between asparagine and threonine. This variant is not present in population databases (ExAC no frequency). This variant has not been reported in the literature in individuals with PMS2-related disease. Algorithms developed to predict the effect of missense changes on protein structure and function (SIFT, PolyPhen-2, Align-GVGD) all suggest that this variant is likely to be disruptive, but these predictions have not been confirmed by published functional studies and their clinical significance is uncertain. In summary, the available evidence is currently insufficient to determine the role of this variant in disease. Therefore, it has been classified as a Variant of Uncertain Significance.

NM_000535.7(PMS2):c.971A>C (p.Asn324Thr)

Gene: PMS2 (PMS1 homolog 2, mismatch repair system component; minus strand). Cytogenetic location: 7p22.1.
Variant type: single nucleotide variant.
Coding change: c.971A>C on transcript NM_000535.7 (MANE Select); coding-DNA position 971, A replaced by C.
Protein change: p.Asn324Thr; replaces asparagine 324 with threonine.
Molecular consequence: missense variant. On other transcripts: non-coding transcript variant (1).
Genome position (GRCh38, 1-based): chr7:5,991,990, T>G on the plus strand (A>C on the coding strand, the complement: PMS2 is on the minus strand). VCF-style: chr7-5991990-T-G. GRCh37 (hg19) VCF-style: chr7-6031621-T-G.
Other names: c.566A>C, p.Asn189Thr (NM_001322003.2, NM_001322004.2, NM_001322005.2 and 2 more transcripts); c.971A>C, p.Asn324Thr (NM_001322006.2, NM_001322014.2); c.653A>C, p.Asn218Thr (NM_001322007.2, NM_001322008.2); c.38A>C, p.Asn13Thr (NM_001322011.2, NM_001322012.2); c.398A>C, p.Asn133Thr (NM_001322013.2); c.662A>C, p.Asn221Thr (NM_001322015.2); short protein forms N324T, N133T, N221T, N189T, N13T, N218T.
Identifiers: ClinVar variation 486932 (VCV000486932.13), dbSNP rs1554299388, ClinGen allele CA366743090.